The following is an entry in ClinVar:

NM_001206927.2(DNAH8):c.2354A>G (p.Tyr785Cys)

Gene: DNAH8 (dynein axonemal heavy chain 8; plus strand). Cytogenetic location: 6p21.2.
Variant type: single nucleotide variant.
Coding change: c.2354A>G on transcript NM_001206927.2 (MANE Select); coding-DNA position 2354, A replaced by G.
Protein change: p.Tyr785Cys; replaces tyrosine 785 with cysteine.
Molecular consequence: missense variant.
Genome position (GRCh38, 1-based): chr6:38,783,098, A>G. VCF-style: chr6-38783098-A-G. GRCh37 (hg19) VCF-style: chr6-38750874-A-G.
Other names: c.1703A>G, p.Tyr568Cys (NM_001371.4); short protein forms Y568C, Y785C.
Identifiers: ClinVar variation 4735957 (VCV004735957.1).

ClinVar aggregate classification (germline): Uncertain significance (1 of 4 stars; one submission).

Conditions:
Primary ciliary dyskinesia. Also called: Ciliary dyskinesia. Identifiers: Orphanet 244, MedGen C0008780, MONDO:0016575, HP:0012265.

gnomAD v4.1: 104 of 1,613,948 alleles (0.0064%); highest among the groups gnomAD compares: Non-Finnish European, 0.0085%; no homozygotes.

Submission:

Labcorp Genetics (formerly Invitae), Labcorp
Classification: Uncertain significance for Primary ciliary dyskinesia. Last evaluated: 2025-06-12. Review status: criteria provided, single submitter. Criteria: Invitae Variant Classification Sherloc (09022015). Collection method: clinical testing. Allele origin: germline.
Comment: This sequence change replaces tyrosine, which is neutral and polar, with cysteine, which is neutral and slightly polar, at codon 785 of the DNAH8 protein (p.Tyr785Cys). This variant is present in population databases (rs202222826, gnomAD 0.004%). This variant has not been reported in the literature in individuals affected with DNAH8-related conditions. Experimental studies and prediction algorithms are not available or were not evaluated, and the functional significance of this variant is currently unknown. In summary, the available evidence is currently insufficient to determine the role of this variant in disease. Therefore, it has been classified as a Variant of Uncertain Significance.